The following is an entry in ClinVar:

NM_138694.4(PKHD1):c.6630G>A (p.Gly2210=)

Gene: PKHD1 (PKHD1 ciliary IPT domain containing fibrocystin/polyductin; minus strand). Cytogenetic location: 6p12.2.
Variant type: single nucleotide variant.
Coding change: c.6630G>A on transcript NM_138694.4 (MANE Select); coding-DNA position 6630, G replaced by A.
Protein change: p.Gly2210=; no amino-acid change (glycine 2210 retained).
Molecular consequence: synonymous variant.
Genome position (GRCh38, 1-based): chr6:51,909,335, C>T on the plus strand (G>A on the coding strand, the complement: PKHD1 is on the minus strand). VCF-style: chr6-51909335-C-T. GRCh37 (hg19) VCF-style: chr6-51774133-C-T.
Other names: c.6630G>A (NM_138694.3); c.6630G>A, p.Gly2210= (NM_170724.3).
Identifiers: ClinVar variation 1125326 (VCV001125326.11), dbSNP rs1199629361, ClinGen allele CA450415596.

ClinVar aggregate classification (germline): Likely benign. Review status: criteria provided, single submitter (1 of 4 stars). 2 submissions from 2 submitters: Likely benign (1). 1 of the submissions does not count toward it. Last evaluated 2026-01-20.

Conditions:
PKHD1-related disorder. Also called: PKHD1-related condition.
Autosomal recessive polycystic kidney disease (ARPKD). Also called: AR polycystic kidney disease. Identifiers: Orphanet 731, Orphanet 8378, MedGen C0085548, MeSH D017044, MONDO:0009889.

Allele frequency attached by ClinVar (database versions not stated): gnomAD exomes below 0.00001; gnomAD 0.00001; TOPMed 0.00001.
gnomAD v4.1: 7 of 1,613,404 alleles (0.00043%); highest among the groups gnomAD compares: Non-Finnish European, 0.00051%; no homozygotes.

Submissions (2):

Labcorp Genetics (formerly Invitae), Labcorp
Classification: Likely benign for Autosomal recessive polycystic kidney disease. Last evaluated: 2026-01-20. Review status: criteria provided, single submitter. Criteria: Invitae Variant Classification Sherloc (09022015). Collection method: clinical testing. Allele origin: germline.

PreventionGenetics, part of Exact Sciences
Classification: Likely benign for PKHD1-related condition. Last evaluated: 2023-07-14. Review status: no assertion criteria provided. Collection method: clinical testing. Allele origin: germline. Not counted in ClinVar's aggregate classification.
Comment: This variant is classified as likely benign based on ACMG/AMP sequence variant interpretation guidelines (Richards et al. 2015 PMID: 25741868, with internal and published modifications).